The following is an entry in ClinVar:

NM_000020.3(ACVRL1):c.871A>T (p.Arg291Ter)

Gene: ACVRL1 (activin A receptor like type 1; plus strand). Cytogenetic location: 12q13.13.
Variant type: single nucleotide variant.
Coding change: c.871A>T on transcript NM_000020.3 (MANE Select); coding-DNA position 871, A replaced by T.
Protein change: p.Arg291Ter; replaces arginine 291 with a stop codon.
Molecular consequence: nonsense.
Genome position (GRCh38, 1-based): chr12:51,915,323, A>T. VCF-style: chr12-51915323-A-T. GRCh37 (hg19) VCF-style: chr12-52309107-A-T.
Other names: c.871A>T, p.Arg291Ter (NM_001077401.2); short protein forms R291*.
Identifiers: ClinVar variation 1075285 (VCV001075285.9), dbSNP rs1057256890, ClinGen allele CA384900623.

ClinVar aggregate classification (germline): Pathogenic. Review status: criteria provided, multiple submitters, no conflicts (2 of 4 stars). 2 submissions from 2 submitters: Pathogenic (2). Last evaluated 2021-12-07.

Conditions:
Cardiovascular phenotype. Identifiers: MedGen CN230736.
Telangiectasia, hereditary hemorrhagic, type 2 (HHT2). Also called: ACVRL1-Related Hereditary Hemorrhagic Telangiectasia; Telangiectasia, hereditary hemorrhagic, type II. Identifiers: Orphanet 774, MedGen C1838163, MONDO:0010880, OMIM 600376. Disease mechanism: loss of function.

Submissions (2):

Ambry Genetics
Classification: Pathogenic for Cardiovascular phenotype. Last evaluated: 2021-12-07. Review status: criteria provided, single submitter. Criteria: Ambry Variant Classification Scheme 2023. Collection method: clinical testing. Allele origin: germline.
Comment: The p.R291* pathogenic mutation (also known as c.871A>T), located in coding exon 6 of the ACVRL1 gene, results from an A to T substitution at nucleotide position 871. This changes the amino acid from an arginine to a stop codon within coding exon 6. This variant is considered to be rare based on population cohorts in the Genome Aggregation Database (gnomAD). In addition, this alteration is expected to result in loss of function by premature protein truncation or nonsense-mediated mRNA decay. As such, this alteration is interpreted as a disease-causing mutation.

Labcorp Genetics (formerly Invitae), Labcorp
Classification: Pathogenic for Telangiectasia, hereditary hemorrhagic, type 2. Last evaluated: 2020-02-17. Review status: criteria provided, single submitter. Criteria: Invitae Variant Classification Sherloc (09022015). Collection method: clinical testing. Allele origin: germline.
Comment: For these reasons, this variant has been classified as Pathogenic. This sequence change creates a premature translational stop signal (p.Arg291*) in the ACVRL1 gene. It is expected to result in an absent or disrupted protein product. This variant is not present in population databases (ExAC no frequency). This variant has not been reported in the literature in individuals with ACVRL1-related conditions. Loss-of-function variants in ACVRL1 are known to be pathogenic (PMID: 15879500).

Literature cited by the submitters: PubMed 15879500 (cited by Labcorp Genetics (formerly Invitae), Labcorp).